The following is an entry in ClinVar:

ClinVar aggregate classification (germline): Uncertain significance (1 of 4 stars; one submission).

Allele frequency attached by ClinVar (database versions not stated): TOPMed below 0.00001.

Submission:

Labcorp Genetics (formerly Invitae), Labcorp
Classification: Uncertain significance. Last evaluated: 2021-09-30. Review status: criteria provided, single submitter. Criteria: Invitae Variant Classification Sherloc (09022015). Collection method: clinical testing. Allele origin: germline.
Comment: In summary, the available evidence is currently insufficient to determine the role of this variant in disease. Therefore, it has been classified as a Variant of Uncertain Significance. Algorithms developed to predict the effect of sequence changes on RNA splicing suggest that this variant may create or strengthen a splice site. Algorithms developed to predict the effect of missense changes on protein structure and function (SIFT, PolyPhen-2, Align-GVGD) all suggest that this variant is likely to be tolerated. This variant has not been reported in the literature in individuals affected with EIF2AK3-related conditions. This variant is not present in population databases (ExAC no frequency). This sequence change replaces phenylalanine with valine at codon 188 of the EIF2AK3 protein (p.Phe188Val). The phenylalanine residue is moderately conserved and there is a small physicochemical difference between phenylalanine and valine.

NM_004836.7(EIF2AK3):c.562T>G (p.Phe188Val)

Gene: EIF2AK3 (eukaryotic translation initiation factor 2 alpha kinase 3; minus strand). Cytogenetic location: 2p11.2.
Variant type: single nucleotide variant.
Coding change: c.562T>G on transcript NM_004836.7 (MANE Select); coding-DNA position 562, T replaced by G.
Protein change: p.Phe188Val; replaces phenylalanine 188 with valine.
Molecular consequence: missense variant.
Genome position (GRCh38, 1-based): chr2:88,595,540, A>C on the plus strand (T>G on the coding strand, the complement: EIF2AK3 is on the minus strand). VCF-style: chr2-88595540-A-C. GRCh37 (hg19) VCF-style: chr2-88895058-A-C.
Other names: c.109T>G, p.Phe37Val (NM_001313915.2); short protein forms F188V, F37V.
Identifiers: ClinVar variation 1370180 (VCV001370180.6), dbSNP rs1674998704, ClinGen allele CA347596733.
Genomic context (GRCh38, chr2:88,595,540, plus strand): 5'-ATGCACTGAGTCCATATGTAGTCAGAGATTTTCCTCCAACCAAAACAACATCATCTCCAA[A>C]TTTATAAGAAGATTCAAGAAGTGATTCAACTGTGAAAGGAACTGTTTCCATGCTTTCACG-3'
Protein context (NP_004827.4, residues 178-198): VESLLESSYK[Phe188Val]GDDVVLVGGK